The following is an entry in ClinVar:

NM_001267550.2(TTN):c.97396G>A (p.Glu32466Lys)

Genes: TTN-AS1 (TTN antisense RNA 1; plus strand), TTN (titin; minus strand). Cytogenetic location: 2q31.2.
Variant type: single nucleotide variant.
Coding change: c.97396G>A on transcript NM_001267550.2 (MANE Select); coding-DNA position 97396, G replaced by A.
Protein change: p.Glu32466Lys; replaces glutamic acid 32466 with lysine.
Molecular consequence: missense variant. On other transcripts: non-coding transcript variant (1).
Genome position (GRCh38, 1-based): chr2:178,542,360, C>T on the plus strand (G>A on the coding strand, the complement: TTN is on the minus strand). VCF-style: chr2-178542360-C-T. GRCh37 (hg19) VCF-style: chr2-179407087-C-T.
Other names: c.92473G>A, p.Glu30825Lys (NM_001256850.1); c.70201G>A, p.Glu23401Lys (NM_003319.4); c.70576G>A, p.Glu23526Lys (NM_133432.3); c.70777G>A, p.Glu23593Lys (NM_133437.4); c.89692G>A, p.Glu29898Lys (NM_133378.4); short protein forms E29898K, E32466K, E23593K, E23401K, E30825K, E23526K.
Identifiers: ClinVar variation 229554 (VCV000229554.15), dbSNP rs55915651, ClinGen allele CA1986564.

ClinVar aggregate classification (germline): Conflicting classifications of pathogenicity. Review status: criteria provided, conflicting classifications (1 of 4 stars). 7 submissions from 7 submitters: Uncertain significance (2); Likely benign (4). 1 of the submissions does not count toward it. Last evaluated 2025-04-09.

Conditions:
TTN-related disorder. Also called: TTN-related disorders; TTN-related condition; TTN-related disease.
Autosomal recessive limb-girdle muscular dystrophy type 2J (LGMDR10). Also called: Limb-girdle muscular dystrophy, type 2J; MUSCULAR DYSTROPHY, LIMB-GIRDLE, AUTOSOMAL RECESSIVE 10. Identifiers: Orphanet 140922, MedGen C1837342, MONDO:0012127, OMIM 608807.
Dilated cardiomyopathy 1G (CMD1G). Identifiers: Orphanet 154, MedGen C1858763, MONDO:0011400, OMIM 604145.
Cardiomyopathy (CMYO). Also called: Cardiomyopathies. Identifiers: Orphanet 167848, MedGen C0878544, MONDO:0004994, HP:0001638. Inheritance: Various modes of inheritance.

Allele frequency attached by ClinVar (database versions not stated): gnomAD 0.00004; TOPMed 0.00005; ExAC 0.00008; gnomAD exomes 0.00008; 1000 Genomes Project 0.00020; 1000 Genomes Project 30x 0.00031.
gnomAD v4.1: 65 of 1,613,484 alleles (0.004%); highest among the groups gnomAD compares: East Asian, 0.042%; 1 homozygote.

Submissions (7):

Molecular Diagnostic Laboratory for Inherited Cardiovascular Disease, Montreal Heart Institute
Classification: Likely benign. Last evaluated: 2025-04-09. Review status: criteria provided, single submitter. Criteria: ACMG Guidelines, 2015. Collection method: clinical testing. Allele origin: germline. Affected: no.

Blueprint Genetics
Classification: Likely benign. Last evaluated: 2023-08-04. Review status: criteria provided, single submitter. Criteria: ACMG Guidelines, 2015. Collection method: clinical testing. Allele origin: germline.

CHEO Genetics Diagnostic Laboratory, Children's Hospital of Eastern Ontario
Classification: Likely benign for Cardiomyopathy. Last evaluated: 2020-09-04. Review status: criteria provided, single submitter. Criteria: ACMG Guidelines, 2015. Collection method: clinical testing. Allele origin: germline.

GeneDx
Classification: Likely benign. Last evaluated: 2018-06-15. Review status: criteria provided, single submitter. Criteria: GeneDx Variant Classification Process June 2021. Collection method: clinical testing. Allele origin: germline. Affected: yes.

Labcorp Genetics (formerly Invitae), Labcorp
Classification: Uncertain significance for Dilated cardiomyopathy 1G; Autosomal recessive limb-girdle muscular dystrophy type 2J. Last evaluated: 2016-04-29. Review status: criteria provided, single submitter. Criteria: Invitae Variant Classification Sherloc (09022015). Collection method: clinical testing. Allele origin: germline.

Laboratory for Molecular Medicine, Mass General Brigham Personalized Medicine
Classification: Uncertain significance. Last evaluated: 2015-03-11. Review status: criteria provided, single submitter. Criteria: LMM Criteria. Collection method: clinical testing. Allele origin: germline. Observed: 1 variant allele.
Comment: The p.Glu29898Lys variant in TTN has not been previously reported in individuals with cardiomyopathy, but has been identified in 5/8266 East Asian chromosomes b y the Exome Aggregation Consortium (ExAC; dbSNP rs55915651). Computational prediction tools and conservation analysis do not pro vide strong support for or against an impact to the protein. In summary, the cli nical significance of the p.Glu29898Lys variant is uncertain.

PreventionGenetics, part of Exact Sciences
Classification: Uncertain significance for TTN-related condition. Last evaluated: 2024-09-06. Review status: no assertion criteria provided. Collection method: clinical testing. Allele origin: germline. Not counted in ClinVar's aggregate classification.
Comment: The TTN c.97396G>A variant is predicted to result in the amino acid substitution p.Glu32466Lys. To our knowledge, this variant has not been reported in individuals with TTN-associated disorders in the literature. This variant is reported in 0.062% of alleles in individuals of East Asian descent in gnomAD, including 1 homozygote. Although we suspect that this variant may be benign, at this time, the clinical significance of this variant is uncertain due to the absence of conclusive functional and genetic evidence.